The following is an entry in ClinVar:

ClinVar aggregate classification (germline): Uncertain significance. Review status: criteria provided, single submitter (1 of 4 stars). 2 submissions from 2 submitters: Uncertain significance (1). 1 of the submissions does not count toward it. Last evaluated 2022-09-01.

Conditions:
Tuberous sclerosis syndrome (TSC). Also called: Tuberous Sclerosis Complex; Tuberous sclerosis. Identifiers: Orphanet 805, MedGen C0041341, MONDO:0001734.
Tuberous sclerosis 2 (TSC2). Identifiers: Orphanet 805, MedGen C1860707, MONDO:0013199, OMIM 613254.

Submissions (2):

3billion
Classification: Uncertain significance for Tuberous sclerosis 2. Last evaluated: 2022-09-01. Review status: criteria provided, single submitter. Criteria: ACMG Guidelines, 2015. Collection method: clinical testing. Allele origin: germline. Affected: yes. Observed: 1 heterozygote.
Comment: The variant is not observed in the gnomAD v2.1.1 dataset. Frameshift variant is predicted to result in a loss or disruption of normal protein function through protein truncation. The predicted truncated protein may be shortened by less than 10%. Multiple pathogenic variants are reported downstream of the variant. The variant has been reported to be associated with TSC2-related disorder (PMID: 10205261). However, the evidence of pathogenicity is insufficient at this time. Therefore, this variant is classified as uncertain significance according to the recommendation of ACMG/AMP guideline.

Tuberous sclerosis database (TSC2)
No classification provided. Condition: TSC. Review status: no classification provided. Criteria: Tuberous Sclerosis Database Assertion Criteria 2015. Collection method: curation. Allele origin: germline. Affected: yes. Not counted in ClinVar's aggregate classification.

Literature cited by the submitters: PubMed 10205261 (cited by 3billion).

NM_000548.5(TSC2):c.5211_5214del (p.Lys1739fs)

Gene: TSC2 (TSC complex subunit 2; plus strand). Cytogenetic location: 16p13.3.
Variant type: Deletion.
Coding change: c.5211_5214del on transcript NM_000548.5 (MANE Select); coding-DNA positions 5211 to 5214, 4 bases deleted (CTCC; older notation c.5211_5214delCTCC).
Protein change: p.Lys1739fs; shifts the reading frame from lysine 1739.
Molecular consequence: frameshift variant.
Genome position (GRCh38, 1-based): chr16:2,088,277-2,088,280, CTCC deleted; deleting any 4 consecutive bases within chr16:2,088,275-2,088,280 gives the same sequence; the c. name uses the placement nearest the transcript's 3' end. VCF-style (leftmost placement, unchanged base first): chr16-2088274-CCCCT-C. GRCh37 (hg19) VCF-style: chr16-2138275-CCCCT-C.
Other names: c.5010_5013del, p.Lys1672fs (NM_001077183.3); c.5142_5145del, p.Lys1716fs (NM_001114382.3); c.4902_4905del, p.Lys1636fs (NM_001318827.2); c.4866_4869del, p.Lys1624fs (NM_001318829.2); c.4479_4482del, p.Lys1495fs (NM_001318831.2); c.5043_5046del, p.Lys1683fs (NM_001318832.2); c.5013_5016del, p.Lys1673fs (NM_001363528.2); c.5079_5082del, p.Lys1695fs (NM_001370404.1); and 2 more; short protein forms K1495fs, K1695fs, K1716fs, K1673fs, K1696fs, K1624fs, K1672fs, K1636fs.
Identifiers: ClinVar variation 49454 (VCV000049454.3), dbSNP rs137854408, ClinGen allele CA022151.